The following is an entry in ClinVar:

ClinVar aggregate classification (germline): Likely benign (1 of 4 stars; one submission).

Conditions:
PPP1R3F-related condition.

Submission:

PreventionGenetics, part of Exact Sciences
Classification: Likely benign for PPP1R3F-related condition. Last evaluated: 2025-03-10. Review status: criteria provided, single submitter. Criteria: ACMG Guidelines, 2015. Collection method: clinical testing. Allele origin: germline.
Comment: This variant is classified as likely benign based on ACMG/AMP sequence variant interpretation guidelines (Richards et al. 2015 PMID: 25741868, with internal and published modifications).

NM_033215.5(PPP1R3F):c.1662G>A (p.Thr554=)

Gene: PPP1R3F (protein phosphatase 1 regulatory subunit 3F; plus strand). Cytogenetic location: Xp11.23.
Variant type: single nucleotide variant.
Coding change: c.1662G>A on transcript NM_033215.5 (MANE Select); coding-DNA position 1662, G replaced by A.
Protein change: p.Thr554=; no amino-acid change (threonine 554 retained).
Molecular consequence: synonymous variant.
Genome position (GRCh38, 1-based): chrX:49,286,352, G>A. VCF-style: chrX-49286352-G-A. GRCh37 (hg19) VCF-style: chrX-49142814-G-A.
Other names: c.624G>A, p.Thr208= (NM_001184745.2).
Identifiers: ClinVar variation 4987726 (VCV004987726.1).